The following is an entry in ClinVar:

ClinVar aggregate classification (germline): Likely benign. Review status: criteria provided, multiple submitters, no conflicts (2 of 4 stars). 6 submissions from 6 submitters: Likely benign (6). Last evaluated 2026-02-03.

Conditions:
Cardiovascular phenotype. Identifiers: MedGen CN230736.
Hypertrophic cardiomyopathy 4. Also called: Familial hypertrophic cardiomyopathy 4. Identifiers: MedGen C1861862, MONDO:0007268, OMIM 115197.
Left ventricular noncompaction 10 (LVNC10). Identifiers: Orphanet 154, Orphanet 54260, MedGen C3715165, MONDO:0014163, OMIM 615396.
Cardiomyopathy (CMYO). Also called: Cardiomyopathies. Identifiers: Orphanet 167848, MedGen C0878544, MONDO:0004994, HP:0001638. Inheritance: Various modes of inheritance.
Hypertrophic cardiomyopathy. Also called: HYPERTROPHIC MYOCARDIOPATHY. Identifiers: Orphanet 217569, MedGen C0007194, MeSH D002312, MONDO:0005045, HP:0001639.

Allele frequency attached by ClinVar (database versions not stated): ESP Exome Variant Server 0.00008; 1000 Genomes Project 0.00020; 1000 Genomes Project 30x 0.00031; ExAC 0.00002; gnomAD 0.00002 and 0.00003; gnomAD exomes 0.00002; TOPMed 0.00004.
gnomAD v4.1: 27 of 1,613,964 alleles (0.0017%); highest among the groups gnomAD compares: East Asian, 0.016%; no homozygotes.

Submissions (6):

Labcorp Genetics (formerly Invitae), Labcorp
Classification: Likely benign for Hypertrophic cardiomyopathy. Last evaluated: 2026-02-03. Review status: criteria provided, single submitter. Criteria: Invitae Variant Classification Sherloc (09022015). Collection method: clinical testing. Allele origin: germline.

All of Us Research Program, National Institutes of Health
Classification: Likely benign for Hypertrophic cardiomyopathy. Last evaluated: 2024-01-08. Review status: criteria provided, single submitter. Criteria: ACMG Guidelines, 2015. Collection method: clinical testing. Allele origin: germline. Inheritance: Autosomal dominant inheritance. Observed: 9 variant alleles, 9 heterozygotes.
Comment: This study involves interpretation of variants in research participants for the purpose of population health screening. Participant phenotype was not available at the time of variant classification. Additional details can be found in publication PMID: 35346344, PMCID: PMC8962531

Fulgent Genetics
Classification: Likely benign for Hypertrophic cardiomyopathy 4; Left ventricular noncompaction 10. Last evaluated: 2021-11-11. Review status: criteria provided, single submitter. Criteria: ACMG Guidelines, 2015. Collection method: clinical testing. Allele origin: unknown.

Color Diagnostics, LLC DBA Color Health
Classification: Likely benign for Cardiomyopathy. Last evaluated: 2019-11-24. Review status: criteria provided, single submitter. Criteria: ACMG Guidelines, 2015. Collection method: clinical testing. Allele origin: germline.

GeneDx
Classification: Likely benign. Last evaluated: 2019-01-18. Review status: criteria provided, single submitter. Criteria: GeneDx Variant Classification Process June 2021. Collection method: clinical testing. Allele origin: germline. Affected: yes.

Ambry Genetics
Classification: Likely benign for Cardiovascular phenotype. Last evaluated: 2017-05-10. Review status: criteria provided, single submitter. Criteria: Ambry Variant Classification Scheme 2023. Collection method: clinical testing. Allele origin: germline.

NM_000256.3(MYBPC3):c.1563C>T (p.Asp521=)

Gene: MYBPC3 (myosin binding protein C3; minus strand). Cytogenetic location: 11p11.2.
Variant type: single nucleotide variant.
Coding change: c.1563C>T on transcript NM_000256.3 (MANE Select); coding-DNA position 1563, C replaced by T.
Protein change: p.Asp521=; no amino-acid change (aspartic acid 521 retained).
Molecular consequence: synonymous variant.
Genome position (GRCh38, 1-based): chr11:47,342,639, G>A on the plus strand (C>T on the coding strand, the complement: MYBPC3 is on the minus strand). VCF-style: chr11-47342639-G-A. GRCh37 (hg19) VCF-style: chr11-47364190-G-A.
Other names: c.1563C>T, p.Asp521= (LRG_386t1).
Identifiers: ClinVar variation 511430 (VCV000511430.27), dbSNP rs367915627, ClinGen allele CA078169.
Genomic context (GRCh38, chr11:47,342,639, plus strand): 5'-CTGCACAATGAGCTCAGCCAGCGCCTGGCCCCCGCTAGTGCACAGTGCATAGTGCCCCGC[G>A]TCCTCCAGCATGGCCTCGTTGATGATCAGGTGGTGTCTCTGCCCGTCCTTCTTGAACCGG-3'
Protein context (NP_000247.2, residues 511-531): HLIINEAMLE[Asp521=]AGHYALCTSG